The following is an entry in ClinVar:

ClinVar aggregate classification (germline): Likely benign. Review status: criteria provided, multiple submitters, no conflicts (2 of 4 stars). 2 submissions from 2 submitters: Likely benign (2). Last evaluated 2024-11-01.

Conditions:
Fanconi anemia complementation group Q. Identifiers: Orphanet 84, MedGen C3808988, MONDO:0014108, OMIM 615272.
Xeroderma pigmentosum, group F (XPF). Also called: XERODERMA PIGMENTOSUM, TYPE F; Xeroderma pigmentosum, type 6; XERODERMA PIGMENTOSUM, COMPLEMENTATION GROUP F; ERCC4-Related Xeroderma Pigmentosum; XERODERMA PIGMENTOSUM VI; XP, GROUP F. Identifiers: MedGen C0268140, MONDO:0010215, OMIM 278760.
Cockayne syndrome. Identifiers: Orphanet 191, MedGen C0009207, MONDO:0016006.

gnomAD v4.1: 5 of 1,613,664 alleles (0.00031%); highest among the groups gnomAD compares: Non-Finnish European, 0.00042%; no homozygotes.

Submissions (2):

CeGaT Center for Human Genetics Tuebingen
Classification: Likely benign. Last evaluated: 2024-11-01. Review status: criteria provided, single submitter. Criteria: CeGaT Center For Human Genetics Tuebingen Variant Classification Criteria Version 2. Collection method: clinical testing. Allele origin: germline. Affected: yes. Observed: 1 variant allele.
Comment: ERCC4: BP4, BP7

Labcorp Genetics (formerly Invitae), Labcorp
Classification: Likely benign for Fanconi anemia complementation group Q; Xeroderma pigmentosum, group F; Cockayne syndrome. Last evaluated: 2024-02-16. Review status: criteria provided, single submitter. Criteria: Invitae Variant Classification Sherloc (09022015). Collection method: clinical testing. Allele origin: germline.

NM_005236.3(ERCC4):c.837C>G (p.Ala279=)

Gene: ERCC4 (ERCC excision repair 4, endonuclease catalytic subunit; plus strand). Cytogenetic location: 16p13.12.
Variant type: single nucleotide variant.
Coding change: c.837C>G on transcript NM_005236.3 (MANE Select); coding-DNA position 837, C replaced by G.
Protein change: p.Ala279=; no amino-acid change (alanine 279 retained).
Molecular consequence: synonymous variant.
Genome position (GRCh38, 1-based): chr16:13,930,754, C>G. VCF-style: chr16-13930754-C-G. GRCh37 (hg19) VCF-style: chr16-14024611-C-G.
Identifiers: ClinVar variation 1539772 (VCV001539772.22), dbSNP rs2032156289, ClinGen allele CA493427781.
Genomic context (GRCh38, chr16:13,930,754, plus strand): 5'-TTTATTCTTGTTTTAGACAATCCGCCATTATCTGGATCCTTTGTGGCACCAGCTTGGAGC[C>G]AAGACTAAATCCTTAGTTCAGGATTTGAAGATATTACGAACTTTGCTGCAGTATCTCTCT-3'
Protein context (NP_005227.1, residues 269-289): YLDPLWHQLG[Ala279=]KTKSLVQDLK